The following is an entry in ClinVar:

NM_015205.3(ATP11A):c.1396-3T>C

Gene: ATP11A (ATPase phospholipid transporting 11A; plus strand). Cytogenetic location: 13q34.
Variant type: single nucleotide variant.
Coding change: c.1396-3T>C on transcript NM_015205.3 (MANE Select); 3 bases into the intron before coding-DNA position 1396, T replaced by C.
Molecular consequence: intron variant.
Genome position (GRCh38, 1-based): chr13:112,832,857, T>C. VCF-style: chr13-112832857-T-C. GRCh37 (hg19) VCF-style: chr13-113487171-T-C.
Other names: c.1396-3T>C (NM_032189.3, NM_001405663.1, NM_001405661.1 and 2 more transcripts).
Identifiers: ClinVar variation 4281250 (VCV004281250.8).

ClinVar aggregate classification (germline): Likely benign. Review status: criteria provided, multiple submitters, no conflicts (2 of 4 stars). 2 submissions from 2 submitters: Likely benign (2). Last evaluated 2026-09-06.

Conditions:
ATP11A-related disorder. Also called: ATP11A-related condition.

gnomAD v4.1: 30 of 1,611,448 alleles (0.0019%); highest among the groups gnomAD compares: East Asian, 0.0067%; no homozygotes.

Submissions (2):

PreventionGenetics, part of Exact Sciences
Classification: Likely benign for ATP11A-related condition. Last evaluated: 2026-09-06. Review status: criteria provided, single submitter. Criteria: ACMG Guidelines, 2015. Collection method: clinical testing. Allele origin: germline.
Comment: This variant is classified as likely benign based on ACMG/AMP sequence variant interpretation guidelines (Richards et al. 2015 PMID: 25741868, with internal and published modifications).

CeGaT Center for Human Genetics Tuebingen
Classification: Likely benign. Last evaluated: 2025-09-01. Review status: criteria provided, single submitter. Criteria: CeGaT Center For Human Genetics Tuebingen Variant Classification Criteria Version 2. Collection method: clinical testing. Allele origin: germline. Affected: yes. Observed: 1 variant allele.
Comment: ATP11A: BP4